The following is an entry in ClinVar:

ClinVar aggregate classification (germline): Pathogenic (1 of 4 stars; one submission).

Conditions:
Spermatogenic failure 16 (SPGF16). Also called: ACEPHALIC SPERMATOZOA SYNDROME. Identifiers: MedGen C4310674, MONDO:0014961, OMIM 617187.

gnomAD v4.1: 18 of 1,613,352 alleles (0.0011%); highest among the groups gnomAD compares: East Asian, 0.0089%; no homozygotes.

Submission:

Juno Genomics, Hangzhou Juno Genomics, Inc
Classification: Pathogenic for Spermatogenic failure 16. Review status: criteria provided, single submitter. Criteria: ACMG Guidelines, 2015. Collection method: clinical testing. Allele origin: germline.
Comment: Absent from controls (or at extremely low frequency if recessive) in Genome Aggregation Database.;Null variant in a gene where loss of function (LOF) is a known mechanism of disease.;For recessive disorders, detected in trans with a pathogenic variant.;Patient's phenotype or family history is highly specific for a disease with a single genetic etiology.

NM_080675.4(SUN5):c.425+1G>A

Gene: SUN5 (Sad1 and UNC84 domain containing 5; minus strand). Cytogenetic location: 20q11.21.
Variant type: single nucleotide variant.
Coding change: c.425+1G>A on transcript NM_080675.4 (MANE Select); the canonical splice donor site of the intron after coding-DNA position 425, G replaced by A.
Molecular consequence: splice donor variant.
Genome position (GRCh38, 1-based): chr20:32,996,323, C>T on the plus strand (G>A on the coding strand, the complement: SUN5 is on the minus strand). VCF-style: chr20-32996323-C-T. GRCh37 (hg19) VCF-style: chr20-31584129-C-T.
Identifiers: ClinVar variation 5019715 (VCV005019715.2).